The following is an entry in ClinVar:

NM_000642.3(AGL):c.3155A>G (p.Lys1052Arg)

Gene: AGL (amylo-alpha-1,6-glucosidase and 4-alpha-glucanotransferase; plus strand). Cytogenetic location: 1p21.2.
Variant type: single nucleotide variant.
Coding change: c.3155A>G on transcript NM_000642.3 (MANE Select); coding-DNA position 3155, A replaced by G.
Protein change: p.Lys1052Arg; replaces lysine 1052 with arginine.
Molecular consequence: missense variant.
Genome position (GRCh38, 1-based): chr1:99,892,503, A>G. VCF-style: chr1-99892503-A-G. GRCh37 (hg19) VCF-style: chr1-100358059-A-G.
Other names: c.3155A>G, p.Lys1052Arg (NM_000028.3, NM_000643.3, NM_000644.3 and 1 more transcripts); c.3107A>G, p.Lys1036Arg (NM_000646.3); c.3134A>G, p.Lys1045Arg (NM_001425326.1); c.2954A>G, p.Lys985Arg (NM_001425327.1); c.2951A>G, p.Lys984Arg (NM_001425328.1); c.2816A>G, p.Lys939Arg (NM_001425329.1); c.2777A>G, p.Lys926Arg (NM_001425332.1); short protein forms K1052R, K1036R, K1045R, K926R, K939R, K984R, K985R.
Identifiers: ClinVar variation 874137 (VCV000874137.8), dbSNP rs769337147, ClinGen allele CA966989.

ClinVar aggregate classification (germline): Uncertain significance. Review status: criteria provided, multiple submitters, no conflicts (2 of 4 stars). 3 submissions from 3 submitters: Uncertain significance (3). Last evaluated 2025-08-29.

Conditions:
Glycogen storage disease type III (GSD3). Also called: FORBES DISEASE; Cori disease. Identifiers: Orphanet 366, MedGen C0017922, MONDO:0009291, OMIM 232400.

Allele frequency attached by ClinVar (database versions not stated): gnomAD exomes 0.00001 and 0.00002; ExAC 0.00002; gnomAD 0.00002 and 0.00003; TOPMed 0.00002.
gnomAD v4.1: 27 of 1,613,670 alleles (0.0017%); highest among the groups gnomAD compares: Middle Eastern, 0.05%; no homozygotes.

Submissions (3):

Labcorp Genetics (formerly Invitae), Labcorp
Classification: Uncertain significance for Glycogen storage disease type III. Last evaluated: 2025-08-29. Review status: criteria provided, single submitter. Criteria: Invitae Variant Classification Sherloc (09022015). Collection method: clinical testing. Allele origin: germline.
Comment: This sequence change replaces lysine, which is basic and polar, with arginine, which is basic and polar, at codon 1052 of the AGL protein (p.Lys1052Arg). This variant is present in population databases (rs769337147, gnomAD 0.004%). This variant has not been reported in the literature in individuals affected with AGL-related conditions. ClinVar contains an entry for this variant (Variation ID: 874137). Invitae Evidence Modeling of protein sequence and biophysical properties (such as structural, functional, and spatial information, amino acid conservation, physicochemical variation, residue mobility, and thermodynamic stability) indicates that this missense variant is not expected to disrupt AGL protein function with a negative predictive value of 80%. In summary, the available evidence is currently insufficient to determine the role of this variant in disease. Therefore, it has been classified as a Variant of Uncertain Significance.

Genome-Nilou Lab
Classification: Uncertain significance for Glycogen storage disease type III. Last evaluated: 2023-04-11. Review status: criteria provided, single submitter. Criteria: ACMG Guidelines, 2015. Collection method: clinical testing. Allele origin: germline. Affected: no.

Illumina Laboratory Services, Illumina
Classification: Uncertain significance for Glycogen storage disease type III. Last evaluated: 2018-01-12. Review status: criteria provided, single submitter. Criteria: ICSL Variant Classification Criteria 13 December 2019. Collection method: clinical testing. Allele origin: germline.